The following is an entry in ClinVar:

ClinVar aggregate classification (germline): Likely benign. Review status: criteria provided, single submitter (1 of 4 stars). 2 submissions from 2 submitters: Likely benign (1). 1 of the submissions does not count toward it. Last evaluated 2024-06-13.

Conditions:
DSG1-related disorder. Also called: DSG1-related condition.

Allele frequency attached by ClinVar (database versions not stated): gnomAD 0.00001; gnomAD exomes 0.00003; TOPMed 0.00004; ExAC 0.00006.
gnomAD v4.1: 49 of 1,614,014 alleles (0.003%); highest among the groups gnomAD compares: South Asian, 0.029%; no homozygotes.

Submissions (2):

Labcorp Genetics (formerly Invitae), Labcorp
Classification: Likely benign. Last evaluated: 2024-06-13. Review status: criteria provided, single submitter. Criteria: Invitae Variant Classification Sherloc (09022015). Collection method: clinical testing. Allele origin: germline.

PreventionGenetics, part of Exact Sciences
Classification: Likely benign for DSG1-related condition. Last evaluated: 2023-10-03. Review status: no assertion criteria provided. Collection method: clinical testing. Allele origin: germline. Not counted in ClinVar's aggregate classification.
Comment: This variant is classified as likely benign based on ACMG/AMP sequence variant interpretation guidelines (Richards et al. 2015 PMID: 25741868, with internal and published modifications).

NM_001942.4(DSG1):c.2373C>T (p.Pro791=)

Genes: DSG1 (desmoglein 1; plus strand), DSG1-AS1 (DSG1 antisense RNA 1; minus strand), LOC126862720 (MED14-independent group 3 enhancer GRCh37_chr18:28933613-28934812; plus strand). Cytogenetic location: 18q12.1.
Variant type: single nucleotide variant.
Coding change: c.2373C>T on transcript NM_001942.4 (MANE Select); coding-DNA position 2373, C replaced by T.
Protein change: p.Pro791=; no amino-acid change (proline 791 retained).
Molecular consequence: synonymous variant.
Genome position (GRCh38, 1-based): chr18:31,354,569, C>T. VCF-style: chr18-31354569-C-T. GRCh37 (hg19) VCF-style: chr18-28934532-C-T.
Other names: c.2373C>T (NM_001942.3).
Identifiers: ClinVar variation 2903262 (VCV002903262.5), dbSNP rs765897238, ClinGen allele CA8926346.
Genomic context (GRCh38, chr18:31,354,569, plus strand): 5'-TGATCCTTCTTGGCCACCACAAAGCACTGAACCAGTTTGCCTTCCTCAGGAAACAGAGCC[C>T]GTTGTTAGTGGACACCCACCAATCTCCCCACATTTCGGCACTACCACAGTAATTTCTGAG-3'
Protein context (NP_001933.2, residues 781-801): EPVCLPQETE[Pro791=]VVSGHPPISP